The following is an entry in ClinVar:

NM_001001557.4(GDF6):c.10C>T (p.Pro4Ser)

Gene: GDF6 (growth differentiation factor 6; minus strand). Cytogenetic location: 8q22.1.
Variant type: single nucleotide variant.
Coding change: c.10C>T on transcript NM_001001557.4 (MANE Select); coding-DNA position 10, C replaced by T.
Protein change: p.Pro4Ser; replaces proline 4 with serine.
Molecular consequence: missense variant.
Genome position (GRCh38, 1-based): chr8:96,160,683, G>A on the plus strand (C>T on the coding strand, the complement: GDF6 is on the minus strand). VCF-style: chr8-96160683-G-A. GRCh37 (hg19) VCF-style: chr8-97172911-G-A.
Other names: short protein forms P4S.
Identifiers: ClinVar variation 1435614 (VCV001435614.8), dbSNP rs1812746374, ClinGen allele CA371754141.

ClinVar aggregate classification (germline): Uncertain significance (1 of 4 stars; one submission).

Conditions:
Isolated microphthalmia 4. Identifiers: Orphanet 2542, MedGen C2751307, MONDO:0013130, OMIM 613094.
Leber congenital amaurosis 17 (LCA17). Identifiers: Orphanet 65, MedGen C3715164, MONDO:0014145, OMIM 615360.
Microphthalmia, isolated, with coloboma 6 (MCOPCB6). Also called: Microphthalmia with coloboma 6, digenic; Microphthalmia with coloboma 6; MICROPHTHALMIA/COLOBOMA 6. Identifiers: Orphanet 98938, MedGen C3150968, MONDO:0013376, OMIM 613703.
Klippel-Feil syndrome 1, autosomal dominant (KFS1). Also called: CERVICAL VERTEBRAL FUSION, AUTOSOMAL DOMINANT. Identifiers: Orphanet 2345, MedGen C1861689, MONDO:0007306, OMIM 118100.

Submission:

Labcorp Genetics (formerly Invitae), Labcorp
Classification: Uncertain significance for Isolated microphthalmia 4; Leber congenital amaurosis 17; Klippel-Feil syndrome 1, autosomal dominant; Microphthalmia, isolated, with coloboma 6. Last evaluated: 2023-05-08. Review status: criteria provided, single submitter. Criteria: Invitae Variant Classification Sherloc (09022015). Collection method: clinical testing. Allele origin: germline.
Comment: This sequence change replaces proline, which is neutral and non-polar, with serine, which is neutral and polar, at codon 4 of the GDF6 protein (p.Pro4Ser). This variant is not present in population databases (gnomAD no frequency). This variant has not been reported in the literature in individuals affected with GDF6-related conditions. ClinVar contains an entry for this variant (Variation ID: 1435614). Algorithms developed to predict the effect of missense changes on protein structure and function output the following: SIFT: "Not Available"; PolyPhen-2: "Benign"; Align-GVGD: "Not Available". The serine amino acid residue is found in multiple mammalian species, which suggests that this missense change does not adversely affect protein function. In summary, the available evidence is currently insufficient to determine the role of this variant in disease. Therefore, it has been classified as a Variant of Uncertain Significance.